The following is an entry in ClinVar:

ClinVar aggregate classification (germline): Likely pathogenic (1 of 4 stars; one submission).

Conditions:
Hereditary cancer-predisposing syndrome. Also called: Neoplastic Syndromes, Hereditary; Tumor predisposition; Hereditary Cancer Syndrome; Hereditary neoplastic syndrome. Identifiers: Orphanet 140162, MedGen C0027672, MeSH D009386, MONDO:0015356.

Submission:

Ambry Genetics
Classification: Likely pathogenic for Hereditary cancer-predisposing syndrome. Last evaluated: 2021-07-23. Review status: criteria provided, single submitter. Criteria: Ambry Variant Classification Scheme 2023. Collection method: clinical testing. Allele origin: germline.
Comment: The c.705+1delG intronic variant, located in intron 6 of the PMS2 gene, results from a deletion of one nucleotide within intron 6 of the PMS2 gene. Alterations that disrupt the canonical splice site are expected to result in aberrant splicing. In silico splice site analysis predicts that this alteration will weaken the native splice donor site. RNA studies have demonstrated that this alteration results in abnormal splicing in the set of samples tested (Ambry internal data). The resulting transcript is predicted to be in-frame and is not expected to trigger nonsense-mediated mRNA decay; however, direct evidence is unavailable. The exact functional effect of the altered amino acid sequence is unknown; however, the impacted region is critical for protein function (Ambry internal data). Based on an internal structural analysis, the resulting predicted transcript would substantially disrupt the structure of the PMS2 ATPase domain (Guarn&eacute; A et al. EMBO J, 2001 Oct;20:5521-31; Ambry internal data). This variant is considered to be rare based on population cohorts in the Genome Aggregation Database (gnomAD). This nucleotide position is highly conserved in available vertebrate species. Based on the majority of available evidence to date, this variant is likely to be pathogenic.

NM_000535.7(PMS2):c.705+1del

Gene: PMS2 (PMS1 homolog 2, mismatch repair system component; minus strand). Cytogenetic location: 7p22.1.
Variant type: Deletion.
Coding change: c.705+1del on transcript NM_000535.7 (MANE Select); the canonical splice donor site of the intron after coding-DNA position 705, one base deleted (G; older notation c.705+1delG).
Molecular consequence: splice donor variant. On other transcripts: intron variant (9).
Genome position (GRCh38, 1-based): chr7:5,999,107, C deleted on the plus strand (G on the coding strand, the reverse complement: PMS2 is on the minus strand); the first of 2 consecutive C bases (chr7:5,999,107-5,999,108); deleting either gives the same sequence. VCF-style (leftmost placement, unchanged base first): chr7-5999106-AC-A. GRCh37 (hg19) VCF-style: chr7-6038737-AC-A.
Other names: c.387+1del (NM_001322008.2, NM_001406902.1, NM_001406883.1 and 4 more transcripts); c.396+1del (NM_001406881.1, NM_001406879.1, NM_001322015.2 and 6 more transcripts); c.300+1del (NM_001406895.1, NM_001322010.2, NM_001322004.2 and 19 more transcripts); c.132+3346del (NM_001406911.1); c.192+109del (NM_001406904.1, NM_001406905.1); c.133-1684del (NM_001322013.2, NM_001406909.1); c.-229+1del (NM_001322012.2, NM_001322011.2); c.369+1del (NM_001406885.1); and 6 more.
Identifiers: ClinVar variation 1756884 (VCV001756884.3), dbSNP rs2536301962, ClinGen allele CA2580076886.
Genomic context (GRCh38, chr7:5,999,106, plus strand): 5'-AATGGAAACCCGCTATAATCACTAGAGCAATAAGAGGCGTTGAAGTAACCGGCCATCACT[AC>A]CTGCTTCTGCCCAAACACAGAGCCGATATTTTCCTTTATGCTGGGGCTTCCACCTGTGCA-3'